The following is an entry in ClinVar:

NM_025114.4(CEP290):c.1190-8C>T

Gene: CEP290 (centrosomal protein 290; minus strand). Cytogenetic location: 12q21.32.
Variant type: single nucleotide variant.
Coding change: c.1190-8C>T on transcript NM_025114.4 (MANE Select); 8 bases into the intron before coding-DNA position 1190, C replaced by T.
Molecular consequence: intron variant.
Genome position (GRCh38, 1-based): chr12:88,121,174, G>A on the plus strand (C>T on the coding strand, the complement: CEP290 is on the minus strand). VCF-style: chr12-88121174-G-A. GRCh37 (hg19) VCF-style: chr12-88514951-G-A.
Other names: c.1190-8C>T (NM_025114.3).
Identifiers: ClinVar variation 1150045 (VCV001150045.14), dbSNP rs764602507, ClinGen allele CA6712610.

ClinVar aggregate classification (germline): Likely benign. Review status: criteria provided, single submitter (1 of 4 stars). 2 submissions from 2 submitters: Likely benign (1). 1 of the submissions does not count toward it. Last evaluated 2022-07-21.

Conditions:
CEP290-related disorder. Also called: CEP290-related disorders; CEP290-related condition. Identifiers: MedGen CN239314.
Joubert syndrome. Also called: CEREBELLOPARENCHYMAL DISORDER IV; JOUBERT-BOLTSHAUSER SYNDROME; Familial aplasia of the vermis. Identifiers: Orphanet 475, MedGen C5979921, MONDO:0018772.
Nephronophthisis. Also called: Juvenile Nephronophthisis. Identifiers: Orphanet 655, MedGen C0687120, MONDO:0019005, HP:0000090.
Meckel-Gruber syndrome. Also called: DYSENCEPHALIA SPLANCHNOCYSTICA; GRUBER SYNDROME; Dysencephalia splachnocystica. Identifiers: Orphanet 564, MedGen C0265215, MONDO:0018921.

Allele frequency attached by ClinVar (database versions not stated): ExAC 0.00001; gnomAD exomes 0.00001.
gnomAD v4.1: 10 of 1,600,076 alleles (0.00062%); highest among the groups gnomAD compares: Admixed American, 0.0017%; no homozygotes.

Submissions (2):

Labcorp Genetics (formerly Invitae), Labcorp
Classification: Likely benign for Joubert syndrome; Meckel-Gruber syndrome; Nephronophthisis. Last evaluated: 2022-07-21. Review status: criteria provided, single submitter. Criteria: Invitae Variant Classification Sherloc (09022015). Collection method: clinical testing. Allele origin: germline.

PreventionGenetics, part of Exact Sciences
Classification: Likely benign for CEP290-related condition. Last evaluated: 2022-11-04. Review status: no assertion criteria provided. Collection method: clinical testing. Allele origin: germline. Not counted in ClinVar's aggregate classification.
Comment: This variant is classified as likely benign based on ACMG/AMP sequence variant interpretation guidelines (Richards et al. 2015 PMID: 25741868, with internal and published modifications).